The following is an entry in ClinVar:

ClinVar aggregate classification (germline): Uncertain significance. Review status: criteria provided, multiple submitters, no conflicts (2 of 4 stars). 2 submissions from 2 submitters: Uncertain significance (2). Last evaluated 2023-09-01.

Allele frequency attached by ClinVar (database versions not stated): gnomAD 0.00001.
gnomAD v4.1: 4 of 1,614,066 alleles (0.00025%); highest among the groups gnomAD compares: Admixed American, 0.0067%; no homozygotes.

Submissions (2):

Athena Diagnostics
Classification: Uncertain significance. Last evaluated: 2023-09-01. Review status: criteria provided, single submitter. Criteria: Athena Diagnostics Criteria. Collection method: clinical testing. Allele origin: unknown.
Comment: Available data are insufficient to determine the clinical significance of the variant at this time. The frequency of this variant in the general population is uninformative in assessment of its pathogenicity. Computational tools predict that this variant is damaging.

Revvity Omics, Revvity
Classification: Uncertain significance. Last evaluated: 2022-12-13. Review status: criteria provided, single submitter. Criteria: ACMG Guidelines, 2015. Collection method: clinical testing. Allele origin: germline.

NM_001130987.2(DYSF):c.128T>G (p.Val43Gly)

Gene: DYSF (dysferlin; plus strand). Cytogenetic location: 2p13.2.
Variant type: single nucleotide variant.
Coding change: c.128T>G on transcript NM_001130987.2 (MANE Select); coding-DNA position 128, T replaced by G.
Protein change: p.Val43Gly; replaces valine 43 with glycine.
Molecular consequence: missense variant.
Genome position (GRCh38, 1-based): chr2:71,480,919, T>G. VCF-style: chr2-71480919-T-G. GRCh37 (hg19) VCF-style: chr2-71708049-T-G.
Other names: c.125T>G (NM_003494.3); c.125T>G, p.Val42Gly (NM_001130976.2, NM_001130977.2, NM_001130978.2 and 4 more transcripts); c.128T>G, p.Val43Gly (NM_001130982.2, NM_001130983.2, NM_001130984.2 and 3 more transcripts); short protein forms V42G, V43G.
Identifiers: ClinVar variation 2441104 (VCV002441104.4), dbSNP rs199772109, ClinGen allele CA49750141.